The following is an entry in ClinVar:

NM_003055.3(SLC18A3):c.515C>T (p.Ala172Val)

Genes: CHAT (choline O-acetyltransferase; plus strand), SLC18A3 (solute carrier family 18 member A3; plus strand). Cytogenetic location: 10q11.23.
Variant type: single nucleotide variant.
Coding change: c.515C>T on transcript NM_003055.3 (MANE Select); coding-DNA position 515, C replaced by T.
Protein change: p.Ala172Val; replaces alanine 172 with valine.
Molecular consequence: missense variant. On other transcripts: intron variant (1).
Genome position (GRCh38, 1-based): chr10:49,611,255, C>T. VCF-style: chr10-49611255-C-T. GRCh37 (hg19) VCF-style: chr10-50819301-C-T.
Other names: c.-69+2056C>T (NM_020984.4); short protein forms A172V.
Identifiers: ClinVar variation 1515400 (VCV001515400.5), dbSNP rs754500673, ClinGen allele CA5496777.

ClinVar aggregate classification (germline): Uncertain significance (1 of 4 stars; one submission).

Allele frequency attached by ClinVar (database versions not stated): gnomAD exomes 0.00005 and 0.00002; TOPMed below 0.00001; ExAC 0.00002.
gnomAD v4.1: 72 of 1,612,996 alleles (0.0045%); highest among the groups gnomAD compares: Non-Finnish European, 0.0059%; no homozygotes.

Submission:

Labcorp Genetics (formerly Invitae), Labcorp
Classification: Uncertain significance. Last evaluated: 2021-09-16. Review status: criteria provided, single submitter. Criteria: Invitae Variant Classification Sherloc (09022015). Collection method: clinical testing. Allele origin: germline.
Comment: In summary, the available evidence is currently insufficient to determine the role of this variant in disease. Therefore, it has been classified as a Variant of Uncertain Significance. Algorithms developed to predict the effect of missense changes on protein structure and function are either unavailable or do not agree on the potential impact of this missense change (SIFT: "Deleterious"; PolyPhen-2: "Probably Damaging"; Align-GVGD: "Class C15"). This variant has not been reported in the literature in individuals affected with SLC18A3-related conditions. This variant is present in population databases (rs754500673, ExAC 0.009%). This sequence change replaces alanine with valine at codon 172 of the SLC18A3 protein (p.Ala172Val). The alanine residue is highly conserved and there is a small physicochemical difference between alanine and valine.